The following is an entry in ClinVar:

ClinVar aggregate classification (germline): Pathogenic (1 of 4 stars; one submission).

Conditions:
Glycogen storage disease type III (GSD3). Also called: FORBES DISEASE; Cori disease. Identifiers: Orphanet 366, MedGen C0017922, MONDO:0009291, OMIM 232400.

Submission:

Labcorp Genetics (formerly Invitae), Labcorp
Classification: Pathogenic for Glycogen storage disease type III. Last evaluated: 2023-09-22. Review status: criteria provided, single submitter. Criteria: Invitae Variant Classification Sherloc (09022015). Collection method: clinical testing. Allele origin: germline.
Comment: This sequence change creates a premature translational stop signal (p.Thr128Asnfs*8) in the AGL gene. It is expected to result in an absent or disrupted protein product. Loss-of-function variants in AGL are known to be pathogenic (PMID: 19299494). This variant is not present in population databases (gnomAD no frequency). This variant has not been reported in the literature in individuals affected with AGL-related conditions. For these reasons, this variant has been classified as Pathogenic.

Literature cited by the submitters: PubMed 19299494.

NM_000642.3(AGL):c.382dup (p.Thr128fs)

Gene: AGL (amylo-alpha-1,6-glucosidase and 4-alpha-glucanotransferase; plus strand). Cytogenetic location: 1p21.2.
Variant type: Duplication.
Coding change: c.382dup on transcript NM_000642.3 (MANE Select); coding-DNA position 382, one base duplicated (A; older notation c.382dupA).
Protein change: p.Thr128fs; shifts the reading frame from threonine 128.
Molecular consequence: frameshift variant.
Genome position (GRCh38, 1-based): chr1:99,862,345, A duplicated. VCF-style (leftmost placement, unchanged base first): chr1-99862344-T-TA. GRCh37 (hg19) VCF-style: chr1-100327900-T-TA.
Other names: c.382dup, p.Thr128Asnfs (NM_001425329.1, NM_000028.3, NM_000643.3 and 5 more transcripts); c.334dup, p.Thr112Asnfs (NM_000646.3); short protein forms T112fs, T128fs.
Identifiers: ClinVar variation 2872988 (VCV002872988.3), dbSNP rs2524498845, ClinGen allele CA2739272687.
Genomic context (GRCh38, chr1:99,862,344, plus strand): 5'-AGTTGTGGACCCCATTTTACGTGTTGGTGCTGATAATCATGTGCTACCCTTGGACTGTGT[T>TA]ACTCTTCAGACATTTTTAGCTAAGTGTTTGGGACCTTTTGATGAATGGGAAAGCAGACTT-3'